The following is an entry in ClinVar:

ClinVar aggregate classification (germline): Uncertain significance (1 of 4 stars; one submission).

Conditions:
Left ventricular noncompaction 8 (LVNC8). Identifiers: Orphanet 154, Orphanet 54260, MedGen C3809288, MONDO:0014152, OMIM 615373.

Allele frequency attached by ClinVar (database versions not stated): ExAC 0.00001; gnomAD 0.00001; TOPMed 0.00001.
gnomAD v4.1: 11 of 1,613,844 alleles (0.00068%); highest among the groups gnomAD compares: Non-Finnish European, 0.00093%; no homozygotes.

Submission:

Labcorp Genetics (formerly Invitae), Labcorp
Classification: Uncertain significance for Left ventricular noncompaction 8. Last evaluated: 2025-02-17. Review status: criteria provided, single submitter. Criteria: Invitae Variant Classification Sherloc (09022015). Collection method: clinical testing. Allele origin: germline.
Comment: This sequence change replaces serine, which is neutral and polar, with threonine, which is neutral and polar, at codon 1083 of the PRDM16 protein (p.Ser1083Thr). This variant is present in population databases (rs773415200, gnomAD 0.003%). This variant has not been reported in the literature in individuals affected with PRDM16-related conditions. ClinVar contains an entry for this variant (Variation ID: 1391176). An algorithm developed to predict the effect of missense changes on protein structure and function (PolyPhen-2) suggests that this variant is likely to be disruptive. In summary, the available evidence is currently insufficient to determine the role of this variant in disease. Therefore, it has been classified as a Variant of Uncertain Significance.

NM_022114.4(PRDM16):c.3248G>C (p.Ser1083Thr)

Gene: PRDM16 (PR/SET domain 16; plus strand). Cytogenetic location: 1p36.32.
Variant type: single nucleotide variant.
Coding change: c.3248G>C on transcript NM_022114.4 (MANE Select); coding-DNA position 3248, G replaced by C.
Protein change: p.Ser1083Thr; replaces serine 1083 with threonine.
Molecular consequence: missense variant.
Genome position (GRCh38, 1-based): chr1:3,426,189, G>C. VCF-style: chr1-3426189-G-C. GRCh37 (hg19) VCF-style: chr1-3342753-G-C.
Other names: c.3248G>C, p.Ser1083Thr (NM_199454.3); short protein forms S1083T.
Identifiers: ClinVar variation 1391176 (VCV001391176.8), dbSNP rs773415200, ClinGen allele CA544784.